The following is an entry in ClinVar:

NM_007259.5(VPS45):c.130A>G (p.Ile44Val)

Gene: VPS45 (vacuolar protein sorting 45 homolog; plus strand). Cytogenetic location: 1q21.2.
Variant type: single nucleotide variant.
Coding change: c.130A>G on transcript NM_007259.5 (MANE Select); coding-DNA position 130, A replaced by G.
Protein change: p.Ile44Val; replaces isoleucine 44 with valine.
Molecular consequence: missense variant. On other transcripts: non-coding transcript variant (1).
Genome position (GRCh38, 1-based): chr1:150,068,666, A>G. VCF-style: chr1-150068666-A-G. GRCh37 (hg19) VCF-style: chr1-150040723-A-G.
Other names: c.22A>G, p.Ile8Val (NM_001279353.2, NM_001279354.2); short protein forms I8V, I44V.
Identifiers: ClinVar variation 2004948 (VCV002004948.4), dbSNP rs2526031027, ClinGen allele CA342258521.

ClinVar aggregate classification (germline): Uncertain significance (1 of 4 stars; one submission).

Conditions:
Congenital neutropenia-myelofibrosis-nephromegaly syndrome. Also called: Severe congenital neutropenia 5, autosomal recessive. Identifiers: Orphanet 369852, MedGen C3809031, MONDO:0014118, OMIM 615285.

Submission:

Labcorp Genetics (formerly Invitae), Labcorp
Classification: Uncertain significance for Congenital neutropenia-myelofibrosis-nephromegaly syndrome. Last evaluated: 2022-06-11. Review status: criteria provided, single submitter. Criteria: Invitae Variant Classification Sherloc (09022015). Collection method: clinical testing. Allele origin: germline.
Comment: In summary, the available evidence is currently insufficient to determine the role of this variant in disease. Therefore, it has been classified as a Variant of Uncertain Significance. Algorithms developed to predict the effect of missense changes on protein structure and function (SIFT, PolyPhen-2, Align-GVGD) all suggest that this variant is likely to be tolerated. This variant has not been reported in the literature in individuals affected with VPS45-related conditions. This variant is not present in population databases (gnomAD no frequency). This sequence change replaces isoleucine, which is neutral and non-polar, with valine, which is neutral and non-polar, at codon 44 of the VPS45 protein (p.Ile44Val).